The following is an entry in ClinVar:

NM_000183.3(HADHB):c.171G>A (p.Val57=)

Gene: HADHB (hydroxyacyl-CoA dehydrogenase trifunctional multienzyme complex subunit beta; plus strand). Cytogenetic location: 2p23.3.
Variant type: single nucleotide variant.
Coding change: c.171G>A on transcript NM_000183.3 (MANE Select); coding-DNA position 171, G replaced by A.
Protein change: p.Val57=; no amino-acid change (valine 57 retained).
Molecular consequence: synonymous variant.
Genome position (GRCh38, 1-based): chr2:26,263,441, G>A. VCF-style: chr2-26263441-G-A. GRCh37 (hg19) VCF-style: chr2-26486309-G-A.
Other names: c.171G>A, p.Val57= (NM_001281512.2); c.105G>A, p.Val35= (NM_001281513.2).
Identifiers: ClinVar variation 509461 (VCV000509461.14), dbSNP rs201804764, ClinGen allele CA1560106.

ClinVar aggregate classification (germline): Likely benign. Review status: criteria provided, multiple submitters, no conflicts (2 of 4 stars). 3 submissions from 3 submitters: Likely benign (3). Last evaluated 2026-01-19.

Conditions:
HADHB-related disorder. Also called: HADHB-related condition.
Mitochondrial trifunctional protein deficiency. Identifiers: Orphanet 746, MedGen C1969443, MONDO:0012172.

Allele frequency attached by ClinVar (database versions not stated): ExAC 0.00002; gnomAD exomes 0.00004; gnomAD 0.00026 and 0.00027; 1000 Genomes Project 30x 0.00031; 1000 Genomes Project 0.00040; TOPMed 0.00058.
gnomAD v4.1: 109 of 1,612,926 alleles (0.0068%); highest among the groups gnomAD compares: Admixed American, 0.073%; no homozygotes.

Submissions (3):

Labcorp Genetics (formerly Invitae), Labcorp
Classification: Likely benign for Mitochondrial trifunctional protein deficiency. Last evaluated: 2026-01-19. Review status: criteria provided, single submitter. Criteria: Invitae Variant Classification Sherloc (09022015). Collection method: clinical testing. Allele origin: germline.

PreventionGenetics, part of Exact Sciences
Classification: Likely benign for HADHB-related condition. Last evaluated: 2025-02-27. Review status: criteria provided, single submitter. Criteria: ACMG Guidelines, 2015. Collection method: clinical testing. Allele origin: germline.
Comment: This variant is classified as likely benign based on ACMG/AMP sequence variant interpretation guidelines (Richards et al. 2015 PMID: 25741868, with internal and published modifications).

GeneDx
Classification: Likely benign. Last evaluated: 2018-05-03. Review status: criteria provided, single submitter. Criteria: GeneDx Variant Classification Process June 2021. Collection method: clinical testing. Allele origin: germline. Affected: yes.